The following is an entry in ClinVar:

NM_001042492.3(NF1):c.7700C>T (p.Pro2567Leu)

Gene: NF1 (neurofibromin 1; plus strand). Cytogenetic location: 17q11.2.
Variant type: single nucleotide variant.
Coding change: c.7700C>T on transcript NM_001042492.3 (MANE Select); coding-DNA position 7700, C replaced by T.
Protein change: p.Pro2567Leu; replaces proline 2567 with leucine.
Molecular consequence: missense variant.
Genome position (GRCh38, 1-based): chr17:31,356,544, C>T. VCF-style: chr17-31356544-C-T. GRCh37 (hg19) VCF-style: chr17-29683562-C-T.
Other names: c.7637C>T, p.Pro2546Leu (NM_000267.4); short protein forms P2546L, P2567L.
Identifiers: ClinVar variation 234225 (VCV000234225.16), dbSNP rs754511534, ClinGen allele CA10580418.

ClinVar aggregate classification (germline): Conflicting classifications of pathogenicity. Review status: criteria provided, conflicting classifications (1 of 4 stars). 6 submissions from 5 submitters: Uncertain significance (4); Likely benign (1). 1 of the submissions does not count toward it. Last evaluated 2026-10-01.

Conditions:
Neurofibromatosis, type 1 (NF1). Also called: Neurofibromatosis, type I; NEUROFIBROMATOSIS, TYPE I, SOMATIC; Peripheral type neurofibromatosis; VON RECKLINGHAUSEN DISEASE. Identifiers: Orphanet 636, MedGen C0027831, MONDO:0018975, OMIM 162200. Disease mechanism: loss of function.
Hereditary cancer-predisposing syndrome. Also called: Hereditary Cancer Syndrome; Tumor predisposition; Neoplastic Syndromes, Hereditary; Hereditary neoplastic syndrome. Identifiers: Orphanet 140162, MedGen C0027672, MeSH D009386, MONDO:0015356.
Cardiovascular phenotype. Identifiers: MedGen CN230736.

Allele frequency attached by ClinVar (database versions not stated): TOPMed below 0.00001; gnomAD 0.00001.
gnomAD v4.1: 2 of 1,613,588 alleles (0.00012%); highest among the groups gnomAD compares: African/African-American, 0.0027%; no homozygotes.

Submissions (6):

St. Jude Molecular Pathology, St. Jude Children's Research Hospital
Classification: Uncertain significance for Neurofibromatosis, type 1. Last evaluated: 2026-10-01. Review status: criteria provided, single submitter. Criteria: St. Jude Assertion Criteria 2020. Collection method: clinical testing. Allele origin: germline.
Comment: The NF1 c.7637C>T (p.Pro2546Leu) missense change has a maximum subpopulation frequency of 0.012% in gnomAD v2.1.1. The in silico tool REVEL predicts a benign effect on protein function, but this prediction has not been confirmed by functional studies. This variant has not been reported in individuals with neurofibromatosis type 1. In summary, the evidence currently available is insufficient to determine the clinical significance of this variant. It has therefore been classified as of uncertain significance.

Labcorp Genetics (formerly Invitae), Labcorp
Classification: Likely benign for Neurofibromatosis, type 1. Last evaluated: 2026-02-03. Review status: criteria provided, single submitter. Criteria: Invitae Variant Classification Sherloc (09022015). Collection method: clinical testing. Allele origin: germline.

GeneDx
Classification: Uncertain significance. Last evaluated: 2022-07-08. Review status: criteria provided, single submitter. Criteria: GeneDx Variant Classification Process June 2021. Collection method: clinical testing. Allele origin: germline. Affected: yes.
Comment: In silico analysis supports that this missense variant has a deleterious effect on protein structure/function; Has not been previously published as pathogenic or benign to our knowledge; This variant is associated with the following publications: (PMID: 25486365)

Ambry Genetics
Classification: Uncertain significance for Cardiovascular phenotype; Hereditary cancer-predisposing syndrome. Last evaluated: 2021-03-19. Review status: criteria provided, single submitter. Criteria: Ambry Variant Classification Scheme 2023. Collection method: clinical testing. Allele origin: germline.

Ambry Genetics
Classification: Uncertain significance for Hereditary cancer-predisposing syndrome. Last evaluated: 2015-10-06. Review status: criteria provided, single submitter. Criteria: Ambry Autosomal Dominant and X-Linked criteria (10/2015). Collection method: clinical testing. Allele origin: germline. Observed: 1 variant allele.
Comment: The p.P2567L variant (also known as c.7700C>T), located in coding exon 52 of the NF1 gene, results from a C to T substitution at nucleotide position 7700. The proline at codon 2567 is replaced by leucine, an amino acid with somewhat similar properties. This variant was not reported in population based cohorts in the following databases: Database of Single Nucleotide Polymorphisms (dbSNP), NHLBI Exome Sequencing Project (ESP), and 1000 Genomes Project. In the ESP, this variant was not observed in 6503 samples (13006 alleles) with coverage at this position. To date, this alteration has been detected with an allele frequency of approximately X.002% (greater than 55000alleles tested) in our clinical cohort.This amino acid position is highly conserved in available vertebrate species. In addition, this alteration is predicted to be probably damaging and yet tolerated by PolyPhen and SIFT in silico analyses, respectively.Since supporting evidence is limited at this time, the clinical significance of pP2567Lremains unclear.

Center for Human Genetics, Inc
Classification: Likely pathogenic for Neurofibromatosis, type 1. Last evaluated: 2016-11-01. Review status: flagged submission. Criteria: ACMG Guidelines, 2015. Collection method: clinical testing. Allele origin: germline. Affected: yes. Not counted in ClinVar's aggregate classification.
ClinVar note: Reason: Older and outlier claim with insufficient supporting evidence